The following is an entry in ClinVar:

ClinVar aggregate classification (germline): Likely pathogenic (1 of 4 stars; one submission).

Allele frequency attached by ClinVar (database versions not stated): gnomAD exomes below 0.00001.
gnomAD v4.1: 2 of 1,560,192 alleles (0.00013%); highest among the groups gnomAD compares: Non-Finnish European, 0.00017%; no homozygotes.

Submission:

Labcorp Genetics (formerly Invitae), Labcorp
Classification: Likely pathogenic. Last evaluated: 2025-03-17. Review status: criteria provided, single submitter. Criteria: Invitae Variant Classification Sherloc (09022015). Collection method: clinical testing. Allele origin: germline.
Comment: This sequence change affects an acceptor splice site in intron 4 of the SFRP4 gene. It is expected to disrupt RNA splicing. Variants that disrupt the donor or acceptor splice site typically lead to a loss of protein function (PMID: 16199547), and loss-of-function variants in SFRP4 are known to be pathogenic (PMID: 27355534). This variant is not present in population databases (gnomAD no frequency). This variant has not been reported in the literature in individuals affected with SFRP4-related conditions. ClinVar contains an entry for this variant (Variation ID: 2860973). Algorithms developed to predict the effect of sequence changes on RNA splicing suggest that this variant may disrupt the consensus splice site. In summary, the currently available evidence indicates that the variant is pathogenic, but additional data are needed to prove that conclusively. Therefore, this variant has been classified as Likely Pathogenic.

Literature cited by the submitters: PubMed 16199547; PubMed 27355534.

NM_003014.4(SFRP4):c.792-1G>A

Gene: SFRP4 (secreted frizzled related protein 4; minus strand). Cytogenetic location: 7p14.1.
Variant type: single nucleotide variant.
Coding change: c.792-1G>A on transcript NM_003014.4 (MANE Select); the canonical splice acceptor site of the intron before coding-DNA position 792, G replaced by A.
Molecular consequence: splice acceptor variant.
Genome position (GRCh38, 1-based): chr7:37,909,681, C>T on the plus strand (G>A on the coding strand, the complement: SFRP4 is on the minus strand). VCF-style: chr7-37909681-C-T. GRCh37 (hg19) VCF-style: chr7-37949283-C-T.
Identifiers: ClinVar variation 2860973 (VCV002860973.3), dbSNP rs2483692133, ClinGen allele CA367218792.